The following is an entry in ClinVar:

ClinVar aggregate classification (germline): Uncertain significance (1 of 4 stars; one submission).

Conditions:
Microcephaly, normal intelligence and immunodeficiency (NBS). Also called: BERLIN BREAKAGE SYNDROME; IMMUNODEFICIENCY, MICROCEPHALY, AND CHROMOSOMAL INSTABILITY; SEEMANOVA SYNDROME II; Immunodeficiency, microcephaly with normal intelligence; Ataxia telangiectasia variant V1; Nijmegen breakage syndrome. Identifiers: Orphanet 647, MedGen C0398791, MONDO:0009623, OMIM 251260.

Submission:

Labcorp Genetics (formerly Invitae), Labcorp
Classification: Uncertain significance for Microcephaly, normal intelligence and immunodeficiency. Last evaluated: 2024-11-05. Review status: criteria provided, single submitter. Criteria: Invitae Variant Classification Sherloc (09022015). Collection method: clinical testing. Allele origin: germline.
Comment: This variant, c.1099_1104del, results in the deletion of 2 amino acid(s) of the NBN protein (p.Thr367_Glu368del), but otherwise preserves the integrity of the reading frame. This variant is not present in population databases (gnomAD no frequency). This variant has not been reported in the literature in individuals affected with NBN-related conditions. ClinVar contains an entry for this variant (Variation ID: 2736305). Experimental studies and prediction algorithms are not available or were not evaluated, and the functional significance of this variant is currently unknown. In summary, the available evidence is currently insufficient to determine the role of this variant in disease. Therefore, it has been classified as a Variant of Uncertain Significance.

NM_002485.5(NBN):c.1099_1104del (p.Thr367_Glu368del)

Gene: NBN (nibrin; minus strand). Cytogenetic location: 8q21.3.
Variant type: Deletion.
Coding change: c.1099_1104del on transcript NM_002485.5 (MANE Select); coding-DNA positions 1099 to 1104, 6 bases deleted (ACAGAA; older notation c.1099_1104delACAGAA).
Protein change: p.Thr367_Glu368del.
Molecular consequence: inframe deletion.
Genome position (GRCh38, 1-based): chr8:89,958,745-89,958,750, TTCTGT deleted on the plus strand (ACAGAA on the coding strand, the reverse complement: NBN is on the minus strand). VCF-style (leftmost placement, unchanged base first): chr8-89958744-ATTCTGT-A. GRCh37 (hg19) VCF-style: chr8-90970972-ATTCTGT-A.
Other names: c.853_858del, p.Thr285_Glu286del (NM_001024688.3).
Identifiers: ClinVar variation 2736305 (VCV002736305.3), dbSNP rs2488260137, ClinGen allele CA2697550048.